The following is an entry in ClinVar:

ClinVar aggregate classification (germline): Uncertain significance (1 of 4 stars; one submission).

Submission:

CeGaT Center for Human Genetics Tuebingen
Classification: Uncertain significance. Last evaluated: 2024-05-01. Review status: criteria provided, single submitter. Criteria: CeGaT Center For Human Genetics Tuebingen Variant Classification Criteria Version 2. Collection method: clinical testing. Allele origin: germline. Affected: yes. Observed: 1 variant allele.
Comment: REST: PM2, BP4

NM_005612.5(REST):c.604G>T (p.Gly202Cys)

Gene: REST (RE1 silencing transcription factor; plus strand). Cytogenetic location: 4q12.
Variant type: single nucleotide variant.
Coding change: c.604G>T on transcript NM_005612.5 (MANE Select); coding-DNA position 604, G replaced by T.
Protein change: p.Gly202Cys; replaces glycine 202 with cysteine.
Molecular consequence: missense variant.
Genome position (GRCh38, 1-based): chr4:56,911,242, G>T. VCF-style: chr4-56911242-G-T. GRCh37 (hg19) VCF-style: chr4-57777408-G-T.
Other names: c.604G>T, p.Gly202Cys (NM_001193508.2, NM_001363453.3); short protein forms G202C.
Identifiers: ClinVar variation 3239285 (VCV003239285.19), dbSNP rs2109524588.